The following is an entry in ClinVar:

NM_030962.4(SBF2):c.1297-10T>C

Gene: SBF2 (SET binding factor 2; minus strand). Cytogenetic location: 11p15.4.
Variant type: single nucleotide variant.
Coding change: c.1297-10T>C on transcript NM_030962.4 (MANE Select); 10 bases into the intron before coding-DNA position 1297, T replaced by C.
Molecular consequence: intron variant.
Genome position (GRCh38, 1-based): chr11:9,989,605, A>G on the plus strand (T>C on the coding strand, the complement: SBF2 is on the minus strand). VCF-style: chr11-9989605-A-G. GRCh37 (hg19) VCF-style: chr11-10011152-A-G.
Other names: c.1297-10T>C (NM_030962.3, NM_001386339.1); c.1168-10T>C (NM_001386342.1).
Identifiers: ClinVar variation 1135982 (VCV001135982.10), dbSNP rs1249564766, ClinGen allele CA1951855852.

ClinVar aggregate classification (germline): Likely benign. Review status: criteria provided, multiple submitters, no conflicts (2 of 4 stars). 2 submissions from 2 submitters: Likely benign (2). Last evaluated 2025-05-27.

Conditions:
SBF2-related disorder. Also called: SBF2-related condition.
Charcot-Marie-Tooth disease type 4. Also called: Charcot-Marie-Tooth, Type 4; Charcot-Marie-Tooth disease, type IV. Identifiers: Orphanet 64749, MedGen C4082197, MONDO:0018995.

Submissions (2):

PreventionGenetics, part of Exact Sciences
Classification: Likely benign for SBF2-related condition. Last evaluated: 2025-05-27. Review status: criteria provided, single submitter. Criteria: ACMG Guidelines, 2015. Collection method: clinical testing. Allele origin: germline.
Comment: This variant is classified as likely benign based on ACMG/AMP sequence variant interpretation guidelines (Richards et al. 2015 PMID: 25741868, with internal and published modifications).

Labcorp Genetics (formerly Invitae), Labcorp
Classification: Likely benign for Charcot-Marie-Tooth disease type 4. Last evaluated: 2025-02-06. Review status: criteria provided, single submitter. Criteria: Invitae Variant Classification Sherloc (09022015). Collection method: clinical testing. Allele origin: germline.